The following is an entry in ClinVar:

NM_002941.4(ROBO1):c.4748A>C (p.Asp1583Ala)

Gene: ROBO1 (roundabout guidance receptor 1; minus strand). Cytogenetic location: 3p12.3.
Variant type: single nucleotide variant.
Coding change: c.4748A>C on transcript NM_002941.4 (MANE Select); coding-DNA position 4748, A replaced by C.
Protein change: p.Asp1583Ala; replaces aspartic acid 1583 with alanine.
Molecular consequence: missense variant.
Genome position (GRCh38, 1-based): chr3:78,600,306, T>G on the plus strand (A>C on the coding strand, the complement: ROBO1 is on the minus strand). VCF-style: chr3-78600306-T-G. GRCh37 (hg19) VCF-style: chr3-78649456-T-G.
Other names: c.4448A>C, p.Asp1483Ala (NM_001145845.2); c.4613A>C, p.Asp1538Ala (NM_133631.4); short protein forms D1483A, D1538A, D1583A.
Identifiers: ClinVar variation 1697092 (VCV001697092.2), dbSNP rs753226863, ClinGen allele CA353683129.

ClinVar aggregate classification (germline): Uncertain significance (1 of 4 stars; one submission).

gnomAD v4.1: 1 of 1,592,324 alleles (0.000063%); highest among the groups gnomAD compares: Middle Eastern, 0.017%; no homozygotes.

Submission:

GeneDx
Classification: Uncertain significance. Last evaluated: 2022-01-13. Review status: criteria provided, single submitter. Criteria: GeneDx Variant Classification Process June 2021. Collection method: clinical testing. Allele origin: germline. Affected: yes.
Comment: Not observed at significant frequency in large population cohorts (gnomAD); In silico analysis supports that this missense variant does not alter protein structure/function; Has not been previously published as pathogenic or benign to our knowledge